The following is an entry in ClinVar:

NM_002471.4(MYH6):c.751A>T (p.Ile251Phe)

Gene: MYH6 (myosin heavy chain 6; minus strand). Cytogenetic location: 14q11.2.
Variant type: single nucleotide variant.
Coding change: c.751A>T on transcript NM_002471.4 (MANE Select); coding-DNA position 751, A replaced by T.
Protein change: p.Ile251Phe; replaces isoleucine 251 with phenylalanine.
Molecular consequence: missense variant.
Genome position (GRCh38, 1-based): chr14:23,403,763, T>A on the plus strand (A>T on the coding strand, the complement: MYH6 is on the minus strand). VCF-style: chr14-23403763-T-A. GRCh37 (hg19) VCF-style: chr14-23872972-T-A.
Other names: short protein forms I251F.
Identifiers: ClinVar variation 1488247 (VCV001488247.6), dbSNP rs1891686776, ClinGen allele CA389028711.

ClinVar aggregate classification (germline): Uncertain significance (1 of 4 stars; one submission).

Conditions:
Hypertrophic cardiomyopathy 14. Identifiers: MedGen C2750467, MONDO:0013197, OMIM 613251.

Submission:

Labcorp Genetics (formerly Invitae), Labcorp
Classification: Uncertain significance for Hypertrophic cardiomyopathy 14. Last evaluated: 2021-10-20. Review status: criteria provided, single submitter. Criteria: Invitae Variant Classification Sherloc (09022015). Collection method: clinical testing. Allele origin: germline.
Comment: Algorithms developed to predict the effect of missense changes on protein structure and function are either unavailable or do not agree on the potential impact of this missense change (SIFT: "Deleterious"; PolyPhen-2: "Probably Damaging"; Align-GVGD: "Class C0"). This sequence change replaces isoleucine with phenylalanine at codon 251 of the MYH6 protein (p.Ile251Phe). The isoleucine residue is weakly conserved and there is a small physicochemical difference between isoleucine and phenylalanine. This variant is not present in population databases (ExAC no frequency). This variant has not been reported in the literature in individuals affected with MYH6-related conditions. In summary, the available evidence is currently insufficient to determine the role of this variant in disease. Therefore, it has been classified as a Variant of Uncertain Significance.